The following is an entry in ClinVar:

ClinVar aggregate classification (germline): Pathogenic (1 of 4 stars; one submission).

Conditions:
Arrhythmogenic right ventricular dysplasia 11. Also called: Arrhythmogenic Right Ventricular Dysplasia/Cardiomyopathy11; ARRHYTHMOGENIC RIGHT VENTRICULAR DYSPLASIA, FAMILIAL, 11; Arrhythmogenic right ventricular dysplasia 11 with mild palmoplantar keratoderma and woolly hair. Identifiers: MedGen C1864850, MONDO:0012506, OMIM 610476.

Submission:

Labcorp Genetics (formerly Invitae), Labcorp
Classification: Pathogenic for Arrhythmogenic right ventricular dysplasia 11. Last evaluated: 2022-05-20. Review status: criteria provided, single submitter. Criteria: Invitae Variant Classification Sherloc (09022015). Collection method: clinical testing. Allele origin: germline.
Comment: For these reasons, this variant has been classified as Pathogenic. This variant has not been reported in the literature in individuals affected with DSC2-related conditions. This variant is a gross deletion of the genomic region encompassing exon(s) 1 of the DSC2 gene, which includes the initiator codon. This deletion extends beyond the assayed region for this gene and therefore may encompass additional genes. It is expected to result in an absent or disrupted protein product. Loss-of-function variants in DSC2 are known to be pathogenic (PMID: 23911551).

Literature cited by the submitters: PubMed 23911551.

NC_000018.9:g.(?_28681846)_(28681934_?)del

Gene: DSC2 (desmocollin 2; minus strand). Cytogenetic location: 18q12.1.
Variant type: Deletion.
Identifiers: ClinVar variation 2426820 (VCV002426820.4).